The following is an entry in ClinVar:

ClinVar aggregate classification (germline): Uncertain significance. Review status: criteria provided, multiple submitters, no conflicts (2 of 4 stars). 2 submissions from 2 submitters: Uncertain significance (2). Last evaluated 2025-01-17.

Conditions:
Inborn genetic diseases. Identifiers: MedGen C0950123, MeSH D030342.

Allele frequency attached by ClinVar (database versions not stated): TOPMed below 0.00001; gnomAD 0.00001.

Submissions (2):

Ambry Genetics
Classification: Uncertain significance for Inborn genetic diseases. Last evaluated: 2025-01-17. Review status: criteria provided, single submitter. Criteria: Ambry Variant Classification Scheme 2023. Collection method: clinical testing. Allele origin: germline.

Labcorp Genetics (formerly Invitae), Labcorp
Classification: Uncertain significance. Last evaluated: 2021-12-01. Review status: criteria provided, single submitter. Criteria: Invitae Variant Classification Sherloc (09022015). Collection method: clinical testing. Allele origin: germline.
Comment: This sequence change replaces arginine, which is basic and polar, with threonine, which is neutral and polar, at codon 129 of the CNGA3 protein (p.Arg129Thr). The frequency data for this variant in the population databases is considered unreliable, as metrics indicate poor data quality at this position in the gnomAD database. This variant has not been reported in the literature in individuals affected with CNGA3-related conditions. Advanced modeling of protein sequence and biophysical properties (such as structural, functional, and spatial information, amino acid conservation, physicochemical variation, residue mobility, and thermodynamic stability) performed at Invitae indicates that this missense variant is not expected to disrupt CNGA3 protein function. In summary, the available evidence is currently insufficient to determine the role of this variant in disease. Therefore, it has been classified as a Variant of Uncertain Significance.

NM_001298.3(CNGA3):c.386G>C (p.Arg129Thr)

Gene: CNGA3 (cyclic nucleotide gated channel subunit alpha 3; plus strand). Cytogenetic location: 2q11.2.
Variant type: single nucleotide variant.
Coding change: c.386G>C on transcript NM_001298.3 (MANE Select); coding-DNA position 386, G replaced by C.
Protein change: p.Arg129Thr; replaces arginine 129 with threonine.
Molecular consequence: missense variant.
Genome position (GRCh38, 1-based): chr2:98,380,345, G>C. VCF-style: chr2-98380345-G-C. GRCh37 (hg19) VCF-style: chr2-98996808-G-C.
Other names: c.386G>C, p.Arg129Thr (NM_001079878.2); c.386G>C (NM_001298.2); short protein forms R129T.
Identifiers: ClinVar variation 1523215 (VCV001523215.7), dbSNP rs1350432054, ClinGen allele CA347831247.